The following is an entry in ClinVar:

ClinVar aggregate classification (germline): Benign/Likely benign. Review status: criteria provided, multiple submitters, no conflicts (2 of 4 stars). 11 submissions from 11 submitters: Benign (5); Likely benign (4). 2 of the submissions do not count toward it. Last evaluated 2026-02-04.

Conditions:
Cobalamin C disease. Also called: Cobalamin-C methylmalonic acidemia and homocystinuria; Methylmalonic acidemia and homocystinuria cblC type; methylmalonic aciduria and homocystinuria type cblC; Methylmalonic aciduria and homocystinuria, Vitamin B12-responsive; Vitamin B12 metabolic defect with combined deficiency of methylmalonyl-CoA mutase and homocysteine:methyltetrahydrofolate methyltransferase; Methylmalonic aciduria with homocystinuria cblC type. Identifiers: Orphanet 26, Orphanet 79282, MedGen C1848561, MONDO:0010184, OMIM 277400.
Disorders of Intracellular Cobalamin Metabolism. Identifiers: MedGen CN043592.

Allele frequency attached by ClinVar (database versions not stated): gnomAD exomes 0.00441 and 0.01124; ExAC 0.01342; ESP Exome Variant Server 0.04460; gnomAD 0.04613 and 0.04960; TOPMed 0.05152; 1000 Genomes Project 0.05172; 1000 Genomes Project 30x 0.05668.

Submissions (11):

Labcorp Genetics (formerly Invitae), Labcorp
Classification: Benign for Cobalamin C disease. Last evaluated: 2026-02-04. Review status: criteria provided, single submitter. Criteria: Invitae Variant Classification Sherloc (09022015). Collection method: clinical testing. Allele origin: germline.

Blueprint Genetics
Classification: Likely benign. Last evaluated: 2024-11-26. Review status: criteria provided, single submitter. Criteria: ACMG Guidelines, 2015. Collection method: clinical testing. Allele origin: germline.

Genome-Nilou Lab
Classification: Likely benign for Cobalamin C disease. Last evaluated: 2023-04-11. Review status: criteria provided, single submitter. Criteria: ACMG Guidelines, 2015. Collection method: clinical testing. Allele origin: germline. Affected: no.

Mayo Clinic Laboratories, Mayo Clinic
Classification: Benign. Last evaluated: 2022-03-10. Review status: criteria provided, single submitter. Criteria: ACMG Guidelines, 2015. Collection method: clinical testing. Allele origin: germline. Observed: 178 variant alleles.

Women's Health and Genetics/Laboratory Corporation of America, LabCorp
Classification: Benign. Last evaluated: 2020-11-27. Review status: criteria provided, single submitter. Criteria: LabCorp Variant Classification Summary - May 2015. Collection method: clinical testing. Allele origin: germline.
Comment: Variant summary: MMACHC c.811A>G (p.Ser271Gly) results in a non-conservative amino acid change in the encoded protein sequence. Three of five in-silico tools predict a benign effect of the variant on protein function. The variant allele was found at a frequency of 0.015 in 280360 control chromosomes, predominantly at a frequency of 0.16 within the African or African-American subpopulation in the gnomAD database, including 323 homozygotes. The observed variant frequency within African or African-American control individuals in the gnomAD database is approximately 53 fold of the estimated maximal expected allele frequency for a pathogenic variant in MMACHC causing Cobalamin C Disease (Methylmalonic Aciduria With Homocystinuria) phenotype (0.0031), strongly suggesting that the variant is a benign polymorphism found primarily in populations of African or African-American origin. To our knowledge, no experimental evidence demonstrating its impact on protein function have been reported. One ClinVar submitter (evaluation after 2014) cites the variant as benign. Based on the evidence outlined above, the variant was classified as benign.

Illumina Laboratory Services, Illumina
Classification: Benign for Disorders of Intracellular Cobalamin Metabolism. Last evaluated: 2018-01-13. Review status: criteria provided, single submitter. Criteria: ICSL Variant Classification Criteria 13 December 2019. Collection method: clinical testing. Allele origin: germline.
Comment: This variant was observed in the ICSL laboratory as part of a predisposition screen in an ostensibly healthy population. It had not been previously curated by ICSL or reported in the Human Gene Mutation Database (HGMD: prior to June 1st, 2018), and was therefore a candidate for classification through an automated scoring system. Utilizing variant allele frequency, disease prevalence and penetrance estimates, and inheritance mode, an automated score was calculated to assess if this variant is too frequent to cause the disease. Based on the score and internal cut-off values, a variant classified as benign is not then subjected to further curation. The score for this variant resulted in a classification of benign for this disease.

GeneDx
Classification: Benign. Last evaluated: 2015-03-03. Review status: criteria provided, single submitter. Criteria: GeneDx Variant Classification Process June 2021. Collection method: clinical testing. Allele origin: germline. Affected: yes.

Breakthrough Genomics
Classification: Likely benign. Review status: criteria provided, single submitter. Criteria: ACMG Guidelines, 2015. Collection method: not provided. Allele origin: germline. Inheritance: Autosomal recessive inheritance. Affected: yes.

PreventionGenetics, part of Exact Sciences
Classification: Likely benign. Review status: criteria provided, single submitter. Criteria: ACMG Guidelines, 2015. Collection method: clinical testing. Allele origin: germline.

Clinical Genetics, Academic Medical Center
Classification: Benign. Review status: no assertion criteria provided. Collection method: clinical testing. Allele origin: germline. Affected: yes. Study: VKGL Data-share Consensus. Not counted in ClinVar's aggregate classification.

Laboratory of Diagnostic Genome Analysis, Leiden University Medical Center (LUMC)
Classification: Benign. Review status: no assertion criteria provided. Collection method: clinical testing. Allele origin: germline. Affected: yes. Study: VKGL Data-share Consensus. Not counted in ClinVar's aggregate classification.

NM_015506.3(MMACHC):c.811A>G (p.Ser271Gly)

Gene: MMACHC (metabolism of cobalamin associated C; plus strand). Cytogenetic location: 1p34.1.
Variant type: single nucleotide variant.
Coding change: c.811A>G on transcript NM_015506.3 (MANE Select); coding-DNA position 811, A replaced by G.
Protein change: p.Ser271Gly; replaces serine 271 with glycine.
Molecular consequence: missense variant.
Genome position (GRCh38, 1-based): chr1:45,509,177, A>G. VCF-style: chr1-45509177-A-G. GRCh37 (hg19) VCF-style: chr1-45974849-A-G.
Other names: c.640A>G, p.Ser214Gly (NM_001330540.2); short protein forms S271G, S214G.
Identifiers: ClinVar variation 260665 (VCV000260665.23), dbSNP rs35219601, ClinGen allele CA827870.